The following is an entry in ClinVar:

ClinVar aggregate classification (germline): Uncertain significance (1 of 4 stars; one submission).

Conditions:
Hereditary diffuse gastric adenocarcinoma (HDGC). Also called: DIFFUSE GASTRIC AND LOBULAR BREAST CANCER SYNDROME. Identifiers: Orphanet 26106, MedGen C1708349, MONDO:0007648, OMIM 137215.

Allele frequency attached by ClinVar (database versions not stated): gnomAD exomes below 0.00001.
gnomAD v4.1: 1 of 647,156 alleles (0.00015%); highest among the groups gnomAD compares: Non-Finnish European, 0.00027%; no homozygotes.

Submission:

European Reference Network on Genetic Tumour Risk Syndromes (ERN-GENTURIS), i3s - Instituto de Investigação e Inovação em Saúde, University of Porto
Classification: Uncertain significance for Hereditary diffuse gastric adenocarcinoma. Last evaluated: 2022-08-01. Review status: criteria provided, single submitter. Criteria: Lee et al. (Hum Mutat. 2018). Collection method: clinical testing. Allele origin: germline. Inheritance: Autosomal dominant inheritance. Affected: no. Study: ERN GENTURIS.
Comment: PM2 (PMID: 30311375)

Literature cited by the submitters: PubMed 36436516.

NM_004360.5(CDH1):c.163+115A>T

Gene: CDH1 (cadherin 1; plus strand). Cytogenetic location: 16q22.1.
Variant type: single nucleotide variant.
Coding change: c.163+115A>T on transcript NM_004360.5 (MANE Select); 115 bases into the intron after coding-DNA position 163, A replaced by T.
Molecular consequence: intron variant.
Genome position (GRCh38, 1-based): chr16:68,738,526, A>T. VCF-style: chr16-68738526-A-T. GRCh37 (hg19) VCF-style: chr16-68772429-A-T.
Other names: c.-1657+115A>T (NM_001317186.2); c.163+115A>T (NM_001317184.2); c.-1453+115A>T (NM_001317185.2).
Identifiers: ClinVar variation 2503022 (VCV002503022.1), dbSNP rs1962466926, ClinGen allele CA2580612841.